The following is an entry in ClinVar:

ClinVar aggregate classification (germline): Benign (1 of 4 stars; one submission).

gnomAD v4.1: 1,646 of 1,613,098 alleles (0.1%); highest among the groups gnomAD compares: African/African-American, 1.9%; 21 homozygotes.

Submission:

Mayo Clinic Laboratories, Mayo Clinic
Classification: Benign. Last evaluated: 2023-04-19. Review status: criteria provided, single submitter. Criteria: ACMG Guidelines, 2015. Collection method: clinical testing. Allele origin: germline. Observed: 5 variant alleles.
Comment: BA1, BP4, BP7

NM_000181.4(GUSB):c.1391+25G>A

Gene: GUSB (glucuronidase beta; minus strand). Cytogenetic location: 7q11.21.
Variant type: single nucleotide variant.
Coding change: c.1391+25G>A on transcript NM_000181.4 (MANE Select); 25 bases into the intron after coding-DNA position 1391, G replaced by A.
Molecular consequence: intron variant.
Genome position (GRCh38, 1-based): chr7:65,974,270, C>T on the plus strand (G>A on the coding strand, the complement: GUSB is on the minus strand). VCF-style: chr7-65974270-C-T. GRCh37 (hg19) VCF-style: chr7-65439257-C-T.
Other names: p.?; c.734+25G>A (NM_001293105.2); c.821+25G>A (NM_001293104.2); c.953+25G>A (NM_001284290.2).
Identifiers: ClinVar variation 4683271 (VCV004683271.1).